The following is an entry in ClinVar:

ClinVar aggregate classification (germline): Uncertain significance (1 of 4 stars; one submission).

Submission:

Greenwood Genetic Center Diagnostic Laboratories, Greenwood Genetic Center
Classification: Uncertain significance. Last evaluated: 2024-10-03. Review status: criteria provided, single submitter. Criteria: ACMG Guidelines, 2015. Collection method: clinical testing. Allele origin: germline. Affected: yes.
Comment: PM2

NM_006086.4(TUBB3):c.756G>A (p.Lys252=)

Gene: TUBB3 (tubulin beta 3 class III; plus strand). Cytogenetic location: 16q24.3.
Variant type: single nucleotide variant.
Coding change: c.756G>A on transcript NM_006086.4 (MANE Select); coding-DNA position 756, G replaced by A.
Protein change: p.Lys252=; no amino-acid change (lysine 252 retained).
Molecular consequence: synonymous variant.
Genome position (GRCh38, 1-based): chr16:89,935,207, G>A. VCF-style: chr16-89935207-G-A. GRCh37 (hg19) VCF-style: chr16-90001615-G-A.
Other names: c.540G>A, p.Lys180= (NM_001197181.2).
Identifiers: ClinVar variation 3765690 (VCV003765690.1).